The following is an entry in ClinVar:

NM_024757.5(EHMT1):c.1949C>T (p.Thr650Ile)

Gene: EHMT1 (euchromatic histone lysine methyltransferase 1; plus strand). Cytogenetic location: 9q34.3.
Variant type: single nucleotide variant.
Coding change: c.1949C>T on transcript NM_024757.5 (MANE Select); coding-DNA position 1949, C replaced by T.
Protein change: p.Thr650Ile; replaces threonine 650 with isoleucine.
Molecular consequence: missense variant.
Genome position (GRCh38, 1-based): chr9:137,776,775, C>T. VCF-style: chr9-137776775-C-T. GRCh37 (hg19) VCF-style: chr9-140671227-C-T.
Other names: c.1949C>T, p.Thr650Ile (NM_001145527.2); c.1856C>T, p.Thr619Ile (NM_001354259.2); c.1928C>T, p.Thr643Ile (NM_001354263.2); short protein forms T650I, T643I, T619I.
Identifiers: ClinVar variation 2194478 (VCV002194478.4), dbSNP rs2542371801, ClinGen allele CA375776724.

ClinVar aggregate classification (germline): Uncertain significance (1 of 4 stars; one submission).

Conditions:
Kleefstra syndrome 1 (KLEFS1). Identifiers: Orphanet 261494, MedGen C0795833, MONDO:0027407, OMIM 610253.

Submission:

Labcorp Genetics (formerly Invitae), Labcorp
Classification: Uncertain significance for Kleefstra syndrome 1. Last evaluated: 2022-10-08. Review status: criteria provided, single submitter. Criteria: Invitae Variant Classification Sherloc (09022015). Collection method: clinical testing. Allele origin: germline.
Comment: In summary, the available evidence is currently insufficient to determine the role of this variant in disease. Therefore, it has been classified as a Variant of Uncertain Significance. Advanced modeling of protein sequence and biophysical properties (such as structural, functional, and spatial information, amino acid conservation, physicochemical variation, residue mobility, and thermodynamic stability) performed at Invitae indicates that this missense variant is not expected to disrupt EHMT1 protein function. This variant has not been reported in the literature in individuals affected with EHMT1-related conditions. This variant is not present in population databases (gnomAD no frequency). This sequence change replaces threonine, which is neutral and polar, with isoleucine, which is neutral and non-polar, at codon 650 of the EHMT1 protein (p.Thr650Ile).